The following is an entry in ClinVar:

NM_022089.4(ATP13A2):c.2T>G (p.Met1Arg)

Genes: ATP13A2 (ATPase cation transporting 13A2; minus strand), LOC129929540 (ATAC-STARR-seq lymphoblastoid silent region 339; plus strand). Cytogenetic location: 1p36.13.
Variant type: single nucleotide variant.
Coding change: c.2T>G on transcript NM_022089.4 (MANE Select); coding-DNA position 2, T replaced by G.
Protein change: p.Met1Arg; changes the start codon (methionine 1).
Molecular consequence: missense variant, initiator codon variant.
Genome position (GRCh38, 1-based): chr1:17,011,737, A>C on the plus strand (T>G on the coding strand, the complement: ATP13A2 is on the minus strand). VCF-style: chr1-17011737-A-C. GRCh37 (hg19) VCF-style: chr1-17338232-A-C.
Other names: c.2T>G, p.Met1Arg (NM_001141973.3, NM_001141974.3); short protein forms M1R.
Identifiers: ClinVar variation 583076 (VCV000583076.6), dbSNP rs1557729552, ClinGen allele CA338267573.

ClinVar aggregate classification (germline): Uncertain significance (1 of 4 stars; one submission).

Conditions:
Kufor-Rakeb syndrome (KRS). Also called: PARKINSON DISEASE 9, AUTOSOMAL RECESSIVE, JUVENILE-ONSET. Identifiers: Orphanet 306674, Orphanet 314632, MedGen C1847640, MONDO:0011706, OMIM 606693.
Autosomal recessive spastic paraplegia type 78. Identifiers: Orphanet 513436, MedGen C5567893, MONDO:0014975, OMIM 617225.

Submission:

Labcorp Genetics (formerly Invitae), Labcorp
Classification: Uncertain significance for Kufor-Rakeb syndrome; Autosomal recessive spastic paraplegia type 78. Last evaluated: 2018-03-25. Review status: criteria provided, single submitter. Criteria: Invitae Variant Classification Sherloc (09022015). Collection method: clinical testing. Allele origin: germline.
Comment: While this variant is not present in population databases, the frequency information is unreliable, as metrics indicate poor data quality at this position in the ExAC database. Experimental studies and prediction algorithms are not available for this variant, and the functional significance of the disrupted amino acid is currently unknown. In summary, the available evidence is currently insufficient to determine the role of this variant in disease. Therefore, it has been classified as a Variant of Uncertain Significance. This variant has not been reported in the literature in individuals with ATP13A2-related disease. This sequence change affects the initiator methionine of the ATP13A2 mRNA. The next in-frame methionine is located at codon 56.